The following is an entry in ClinVar:

ClinVar aggregate classification (germline): Likely benign. Review status: criteria provided, multiple submitters, no conflicts (2 of 4 stars). 3 submissions from 3 submitters: Likely benign (3). Last evaluated 2023-05-01.

Allele frequency attached by ClinVar (database versions not stated): gnomAD 0.00001 and 0.00003; gnomAD exomes 0.00002 and 0.00003; TOPMed 0.00003.
gnomAD v4.1: 32 of 1,209,400 alleles (0.0026%); highest among the groups gnomAD compares: Middle Eastern, 0.069%; no homozygotes.

Submissions (3):

CeGaT Center for Human Genetics Tuebingen
Classification: Likely benign. Last evaluated: 2023-05-01. Review status: criteria provided, single submitter. Criteria: CeGaT Center For Human Genetics Tuebingen Variant Classification Criteria Version 2. Collection method: clinical testing. Allele origin: germline. Affected: yes. Observed: 1 variant allele.
Comment: AFF2: BP4, BP7

Genetic Services Laboratory, University of Chicago
Classification: Likely benign. Last evaluated: 2018-08-02. Review status: criteria provided, single submitter. Criteria: ACMG Guidelines, 2015. Collection method: clinical testing. Allele origin: germline. Affected: no.

Breakthrough Genomics
Classification: Likely benign. Review status: criteria provided, single submitter. Criteria: ACMG Guidelines, 2015. Collection method: not provided. Allele origin: germline. Inheritance: X-linked inheritance. Affected: yes.

NM_002025.4(AFF2):c.3138G>A (p.Ala1046=)

Gene: AFF2 (ALF transcription elongation factor 2; plus strand). Cytogenetic location: Xq28.
Variant type: single nucleotide variant.
Coding change: c.3138G>A on transcript NM_002025.4 (MANE Select); coding-DNA position 3138, G replaced by A.
Protein change: p.Ala1046=; no amino-acid change (alanine 1046 retained).
Molecular consequence: synonymous variant.
Genome position (GRCh38, 1-based): chrX:148,967,014, G>A. VCF-style: chrX-148967014-G-A. GRCh37 (hg19) VCF-style: chrX-148048544-G-A.
Other names: c.3033G>A, p.Ala1011= (NM_001169124.2, NM_001169122.2); c.3021G>A, p.Ala1007= (NM_001169125.2); c.2061G>A, p.Ala687= (NM_001170628.1); c.3108G>A, p.Ala1036= (NM_001169123.2).
Identifiers: ClinVar variation 1336810 (VCV001336810.29), dbSNP rs974621684, ClinGen allele CA337003932.